The following is an entry in ClinVar:

NM_000384.3(APOB):c.10244G>C (p.Ser3415Thr)

Gene: APOB (apolipoprotein B; minus strand). Cytogenetic location: 2p24.1.
Variant type: single nucleotide variant.
Coding change: c.10244G>C on transcript NM_000384.3 (MANE Select); coding-DNA position 10244, G replaced by C.
Protein change: p.Ser3415Thr; replaces serine 3415 with threonine.
Molecular consequence: missense variant.
Genome position (GRCh38, 1-based): chr2:21,006,624, C>G on the plus strand (G>C on the coding strand, the complement: APOB is on the minus strand). VCF-style: chr2-21006624-C-G. GRCh37 (hg19) VCF-style: chr2-21229496-C-G.
Other names: short protein forms S3415T.
Identifiers: ClinVar variation 927807 (VCV000927807.8), dbSNP rs750477821, ClinGen allele CA042839.

ClinVar aggregate classification (germline): Conflicting classifications of pathogenicity. Review status: criteria provided, conflicting classifications (1 of 4 stars). 3 submissions from 3 submitters: Uncertain significance (2); Likely benign (1). Last evaluated 2025-06-10.

Conditions:
Cardiovascular phenotype. Identifiers: MedGen CN230736.
Familial hypobetalipoproteinemia 1. Also called: Hypobetalipoproteinemia, normotriglyceridemic; Acanthocytosis with hypobetalipoproteinemia; APOB-Related Familial Hypobetalipoproteinemia. Identifiers: MedGen C4551990, MONDO:0014252, OMIM 615558.
Hypercholesterolemia, autosomal dominant, type B (FHCL2). Also called: Familial Hypercholesterolemia Type B; HYPERCHOLESTEROLEMIA, FAMILIAL, DUE TO LIGAND-DEFECTIVE APOLIPOPROTEIN B; Familial hypercholesterolemia 2; APOB-Related Familial Hypercholesterolemia, Autosomal Dominant; APOLIPOPROTEIN B-100, FAMILIAL DEFECTIVE; APOLIPOPROTEIN B-100, FAMILIAL LIGAND-DEFECTIVE. Identifiers: MedGen C1704417, MONDO:0007751, OMIM 144010.

Allele frequency attached by ClinVar (database versions not stated): gnomAD exomes 0.00001; ExAC 0.00002.
gnomAD v4.1: 18 of 1,614,054 alleles (0.0011%); highest among the groups gnomAD compares: Admixed American, 0.0017%; no homozygotes.

Submissions (3):

Ambry Genetics
Classification: Uncertain significance for Cardiovascular phenotype. Last evaluated: 2025-06-10. Review status: criteria provided, single submitter. Criteria: Ambry Variant Classification Scheme 2023. Collection method: clinical testing. Allele origin: germline.
Comment: The p.S3415T variant (also known as c.10244G>C), located in coding exon 26 of the APOB gene, results from a G to C substitution at nucleotide position 10244. The serine at codon 3415 is replaced by threonine, an amino acid with similar properties. This amino acid position is conserved. In addition, this alteration is predicted to be tolerated by in silico analysis. Since supporting evidence is limited at this time, the clinical significance of this alteration remains unclear.

ARUP Laboratories, Molecular Genetics and Genomics, ARUP Laboratories
Classification: Uncertain significance. Last evaluated: 2025-04-21. Review status: criteria provided, single submitter. Criteria: ARUP Molecular Germline Variant Investigation Process 2024. Collection method: clinical testing. Allele origin: germline.
Comment: The APOB c.10244G>C; p.Ser3415Thr variant (rs750477821), to our knowledge, is not reported in the medical literature but is reported in ClinVar (Variation ID: 927807). This variant is only observed on three alleles in the Genome Aggregation Database (v2.1.1), indicating it is not a common polymorphism. Computational analyses are uncertain whether this variant is neutral or deleterious (REVEL: 0.216). Due to limited information, the clinical significance of this variant is uncertain at this time.

Labcorp Genetics (formerly Invitae), Labcorp
Classification: Likely benign for Familial hypobetalipoproteinemia 1; Hypercholesterolemia, autosomal dominant, type B. Last evaluated: 2025-03-23. Review status: criteria provided, single submitter. Criteria: Invitae Variant Classification Sherloc (09022015). Collection method: clinical testing. Allele origin: germline.